The following is an entry in ClinVar:

ClinVar aggregate classification (germline): Likely benign. Review status: criteria provided, multiple submitters, no conflicts (2 of 4 stars). 2 submissions from 2 submitters: Likely benign (2). Last evaluated 2026-06-01.

Allele frequency attached by ClinVar (database versions not stated): gnomAD exomes 0.00001; ExAC 0.00005; TOPMed 0.00006; gnomAD 0.00007; ESP Exome Variant Server 0.00008.
gnomAD v4.1: 23 of 1,611,620 alleles (0.0014%); highest among the groups gnomAD compares: African/African-American, 0.028%; no homozygotes.

Submissions (2):

CeGaT Center for Human Genetics Tuebingen
Classification: Likely benign. Last evaluated: 2026-06-01. Review status: criteria provided, single submitter. Criteria: CeGaT Center For Human Genetics Tuebingen Variant Classification Criteria Version 2. Collection method: clinical testing. Allele origin: germline. Affected: yes. Observed: 1 variant allele.
Comment: RERE: BP4

Labcorp Genetics (formerly Invitae), Labcorp
Classification: Likely benign. Last evaluated: 2024-04-25. Review status: criteria provided, single submitter. Criteria: Invitae Variant Classification Sherloc (09022015). Collection method: clinical testing. Allele origin: germline.

NM_001042681.2(RERE):c.4176C>T (p.Tyr1392=)

Gene: RERE (arginine-glutamic acid dipeptide repeats; minus strand). Cytogenetic location: 1p36.23.
Variant type: single nucleotide variant.
Coding change: c.4176C>T on transcript NM_001042681.2 (MANE Select); coding-DNA position 4176, C replaced by T.
Protein change: p.Tyr1392=; no amino-acid change (tyrosine 1392 retained).
Molecular consequence: synonymous variant.
Genome position (GRCh38, 1-based): chr1:8,358,359, G>A on the plus strand (C>T on the coding strand, the complement: RERE is on the minus strand). VCF-style: chr1-8358359-G-A. GRCh37 (hg19) VCF-style: chr1-8418419-G-A.
Other names: c.2514C>T, p.Tyr838= (NM_001042682.2); c.4176C>T, p.Tyr1392= (NM_012102.4).
Identifiers: ClinVar variation 2170166 (VCV002170166.6), dbSNP rs367773415, ClinGen allele CA570879.
Genomic context (GRCh38, chr1:8,358,359, plus strand): 5'-ATCGCTGGTCAGCGATGCCATGCGCTCTGCGTGGATACGCTCGGCTGCCAGTCTGTCAGG[G>A]TAGCTCATCTCGGGCCGCAGCTGGGGGCCCGCCAGGGCCAGTCTCTCCCTCTCCAAGGGG-3'
Protein context (NP_001036146.1, residues 1382-1402): AGPQLRPEMS[Tyr1392=]PDRLAAERIH